The following is an entry in ClinVar:

ClinVar aggregate classification (germline): Uncertain significance (1 of 4 stars; one submission).

Conditions:
Idiopathic generalized epilepsy. Also called: Generalised epilepsy; EIG. Identifiers: MedGen C0270850, MONDO:0005579, OMIM 600669.
Hyperaldosteronism, familial, type IV (HALD4). Also called: FH IV; ALDOSTERONISM, PRIMARY, AND HYPERTENSION. Identifiers: Orphanet 642671, MedGen C4310756, MONDO:0014875, OMIM 617027.

gnomAD v4.1: 2 of 1,556,490 alleles (0.00013%); highest among the groups gnomAD compares: Admixed American, 0.0019%; no homozygotes.

Submission:

Labcorp Genetics (formerly Invitae), Labcorp
Classification: Uncertain significance for Idiopathic generalized epilepsy; Hyperaldosteronism, familial, type IV. Last evaluated: 2024-10-23. Review status: criteria provided, single submitter. Criteria: Invitae Variant Classification Sherloc (09022015). Collection method: clinical testing. Allele origin: germline.
Comment: This sequence change replaces valine, which is neutral and non-polar, with leucine, which is neutral and non-polar, at codon 1850 of the CACNA1H protein (p.Val1850Leu). This variant is not present in population databases (gnomAD no frequency). This variant has not been reported in the literature in individuals affected with CACNA1H-related conditions. ClinVar contains an entry for this variant (Variation ID: 1513603). Invitae Evidence Modeling of protein sequence and biophysical properties (such as structural, functional, and spatial information, amino acid conservation, physicochemical variation, residue mobility, and thermodynamic stability) indicates that this missense variant is expected to disrupt CACNA1H protein function with a positive predictive value of 80%. In summary, the available evidence is currently insufficient to determine the role of this variant in disease. Therefore, it has been classified as a Variant of Uncertain Significance.

NM_021098.3(CACNA1H):c.5548G>T (p.Val1850Leu)

Gene: CACNA1H (calcium voltage-gated channel subunit alpha1 H; plus strand). Cytogenetic location: 16p13.3.
Variant type: single nucleotide variant.
Coding change: c.5548G>T on transcript NM_021098.3 (MANE Select); coding-DNA position 5548, G replaced by T.
Protein change: p.Val1850Leu; replaces valine 1850 with leucine.
Molecular consequence: missense variant.
Genome position (GRCh38, 1-based): chr16:1,218,312, G>T. VCF-style: chr16-1218312-G-T. GRCh37 (hg19) VCF-style: chr16-1268312-G-T.
Other names: c.5530G>T, p.Val1844Leu (NM_001005407.2); short protein forms V1844L, V1850L.
Identifiers: ClinVar variation 1513603 (VCV001513603.8), dbSNP rs986566182, ClinGen allele CA394147409.
Genomic context (GRCh38, chr16:1,218,312, plus strand): 5'-AGCTACCTGCCGGCCCTGTCGCCCGTCTACTTCGTGACCTTCGTGCTGGTGGCCCAGTTC[G>T]TGCTGGTGAACGTGGTGGTGGCCGTGCTCATGAAGCACCTGGAGGAGAGCAACAAGGAGG-3'
Protein context (NP_066921.2, residues 1840-1860): FVTFVLVAQF[Val1850Leu]LVNVVVAVLM